The following is an entry in ClinVar:

ClinVar aggregate classification (germline): Uncertain significance. Review status: criteria provided, multiple submitters, no conflicts (2 of 4 stars). 2 submissions from 2 submitters: Uncertain significance (2). Last evaluated 2025-12-15.

Conditions:
Type A2 brachydactyly (BDA2). Also called: BRACHYMESOPHALANGY II; MOHR-WRIEDT TYPE BRACHYDACTYLY; Brachymesophalangy type 2. Identifiers: Orphanet 93396, MedGen C1832702, MONDO:0007216, OMIM 112600, HP:0009372.
Acromesomelic dysplasia 3 (AMD3). Also called: Acromesomelic dysplasia, Demirhan type; CHONDRODYSPLASIA, ACROMESOMELIC, WITH OR WITHOUT GENITAL ANOMALIES. Identifiers: MedGen C4225404, MONDO:0012274, OMIM 609441.
Inborn genetic diseases. Identifiers: MedGen C0950123, MeSH D030342.

Allele frequency attached by ClinVar (database versions not stated): gnomAD exomes 0.00001.
gnomAD v4.1: 16 of 1,614,026 alleles (0.00099%); highest among the groups gnomAD compares: Admixed American, 0.0017%; no homozygotes.

Submissions (2):

Labcorp Genetics (formerly Invitae), Labcorp
Classification: Uncertain significance for Type A2 brachydactyly; Acromesomelic dysplasia 3. Last evaluated: 2025-12-15. Review status: criteria provided, single submitter. Criteria: Invitae Variant Classification Sherloc (09022015). Collection method: clinical testing. Allele origin: germline.
Comment: This sequence change replaces lysine, which is basic and polar, with arginine, which is basic and polar, at codon 292 of the BMPR1B protein (p.Lys292Arg). This variant is present in population databases (no rsID available, gnomAD 0.0009%). This variant has not been reported in the literature in individuals affected with BMPR1B-related conditions. ClinVar contains an entry for this variant (Variation ID: 2078870). Invitae Evidence Modeling of protein sequence and biophysical properties (such as structural, functional, and spatial information, amino acid conservation, physicochemical variation, residue mobility, and thermodynamic stability) indicates that this missense variant is not expected to disrupt BMPR1B protein function with a negative predictive value of 80%. In summary, the available evidence is currently insufficient to determine the role of this variant in disease. Therefore, it has been classified as a Variant of Uncertain Significance.

Ambry Genetics
Classification: Uncertain significance for Inborn genetic diseases. Last evaluated: 2025-04-20. Review status: criteria provided, single submitter. Criteria: Ambry Variant Classification Scheme 2023. Collection method: clinical testing. Allele origin: germline.

NM_001203.3(BMPR1B):c.875A>G (p.Lys292Arg)

Gene: BMPR1B (bone morphogenetic protein receptor type 1B; plus strand). Cytogenetic location: 4q22.3.
Variant type: single nucleotide variant.
Coding change: c.875A>G on transcript NM_001203.3 (MANE Select); coding-DNA position 875, A replaced by G.
Protein change: p.Lys292Arg; replaces lysine 292 with arginine.
Molecular consequence: missense variant.
Genome position (GRCh38, 1-based): chr4:95,131,311, A>G. VCF-style: chr4-95131311-A-G. GRCh37 (hg19) VCF-style: chr4-96052462-A-G.
Other names: c.875A>G, p.Lys292Arg (NM_001256792.2, NM_001256794.1); c.965A>G, p.Lys322Arg (NM_001256793.2); c.875A>G (NM_001203.2); short protein forms K322R, K292R.
Identifiers: ClinVar variation 2078870 (VCV002078870.5), dbSNP rs1001539320, ClinGen allele CA101664617.